The following is an entry in ClinVar:

ClinVar aggregate classification (germline): Uncertain significance. Review status: criteria provided, multiple submitters, no conflicts (2 of 4 stars). 2 submissions from 2 submitters: Uncertain significance (2). Last evaluated 2023-08-28.

Conditions:
Hereditary breast ovarian cancer syndrome. Also called: Hereditary breast and ovarian cancer syndrome (HBOC); BRCA1- and BRCA2-Associated Hereditary Breast and Ovarian Cancer; Hereditary breast and ovarian cancer syndrome; Breast and ovarian cancer; Hereditary breast and ovarian cancer; Hereditary breast and/or ovarian cancer syndrome. Identifiers: Orphanet 145, MedGen C0677776, MeSH D061325, MONDO:0003582. Disease mechanism: loss of function.
Hereditary cancer-predisposing syndrome. Also called: Hereditary neoplastic syndrome; Neoplastic Syndromes, Hereditary; Tumor predisposition; Hereditary Cancer Syndrome. Identifiers: Orphanet 140162, MedGen C0027672, MeSH D009386, MONDO:0015356.

Submissions (2):

Labcorp Genetics (formerly Invitae), Labcorp
Classification: Uncertain significance for Hereditary breast ovarian cancer syndrome. Last evaluated: 2023-08-28. Review status: criteria provided, single submitter. Criteria: Invitae Variant Classification Sherloc (09022015). Collection method: clinical testing. Allele origin: germline.
Comment: In summary, the available evidence is currently insufficient to determine the role of this variant in disease. Therefore, it has been classified as a Variant of Uncertain Significance. Advanced modeling of protein sequence and biophysical properties (such as structural, functional, and spatial information, amino acid conservation, physicochemical variation, residue mobility, and thermodynamic stability) performed at Invitae indicates that this missense variant is not expected to disrupt BRCA2 protein function. ClinVar contains an entry for this variant (Variation ID: 531288). This variant has not been reported in the literature in individuals affected with BRCA2-related conditions. This variant is not present in population databases (gnomAD no frequency). This sequence change replaces glutamic acid, which is acidic and polar, with lysine, which is basic and polar, at codon 2343 of the BRCA2 protein (p.Glu2343Lys).

Ambry Genetics
Classification: Uncertain significance for Hereditary cancer-predisposing syndrome. Last evaluated: 2022-07-26. Review status: criteria provided, single submitter. Criteria: Ambry Variant Classification Scheme 2023. Collection method: clinical testing. Allele origin: germline.
Comment: The p.E2343K variant (also known as c.7027G>A), located in coding exon 13 of the BRCA2 gene, results from a G to A substitution at nucleotide position 7027. The glutamic acid at codon 2343 is replaced by lysine, an amino acid with similar properties. This amino acid position is not well conserved in available vertebrate species. In addition, this alteration is predicted to be tolerated by in silico analysis. Since supporting evidence is limited at this time, the clinical significance of this alteration remains unclear.

NM_000059.4(BRCA2):c.7027G>A (p.Glu2343Lys)

Gene: BRCA2 (BRCA2 DNA repair associated; plus strand). Cytogenetic location: 13q13.1.
Variant type: single nucleotide variant.
Coding change: c.7027G>A on transcript NM_000059.4 (MANE Select); coding-DNA position 7027, G replaced by A.
Protein change: p.Glu2343Lys; replaces glutamic acid 2343 with lysine.
Molecular consequence: missense variant.
Genome position (GRCh38, 1-based): chr13:32,354,880, G>A. VCF-style: chr13-32354880-G-A. GRCh37 (hg19) VCF-style: chr13-32929017-G-A.
Other names: short protein forms E2343K.
Identifiers: ClinVar variation 531288 (VCV000531288.13), dbSNP rs1555285983, ClinGen allele CA387794141.